The following is an entry in ClinVar:

NM_022124.6(CDH23):c.5081C>A (p.Ala1694Asp)

Gene: CDH23 (cadherin related 23; plus strand). Cytogenetic location: 10q22.1.
Variant type: single nucleotide variant.
Coding change: c.5081C>A on transcript NM_022124.6 (MANE Select); coding-DNA position 5081, C replaced by A.
Protein change: p.Ala1694Asp; replaces alanine 1694 with aspartic acid.
Molecular consequence: missense variant.
Genome position (GRCh38, 1-based): chr10:71,778,202, C>A. VCF-style: chr10-71778202-C-A. GRCh37 (hg19) VCF-style: chr10-73537959-C-A.
Other names: short protein forms A1694D.
Identifiers: ClinVar variation 2132764 (VCV002132764.1), dbSNP rs2494340902, ClinGen allele CA377140585.

ClinVar aggregate classification (germline): Uncertain significance (1 of 4 stars; one submission).

Submission:

Labcorp Genetics (formerly Invitae), Labcorp
Classification: Uncertain significance. Last evaluated: 2022-05-03. Review status: criteria provided, single submitter. Criteria: Invitae Variant Classification Sherloc (09022015). Collection method: clinical testing. Allele origin: germline.
Comment: This sequence change replaces alanine, which is neutral and non-polar, with aspartic acid, which is acidic and polar, at codon 1694 of the CDH23 protein (p.Ala1694Asp). This variant is not present in population databases (gnomAD no frequency). This variant has not been reported in the literature in individuals affected with CDH23-related conditions. Algorithms developed to predict the effect of missense changes on protein structure and function are either unavailable or do not agree on the potential impact of this missense change (SIFT: "Deleterious"; PolyPhen-2: "Not Available"; Align-GVGD: "Class C15"). In summary, the available evidence is currently insufficient to determine the role of this variant in disease. Therefore, it has been classified as a Variant of Uncertain Significance.